The following is an entry in ClinVar:

NM_024685.4(BBS10):c.1314C>T (p.Asp438=)

Gene: BBS10 (Bardet-Biedl syndrome 10; minus strand). Cytogenetic location: 12q21.2.
Variant type: single nucleotide variant.
Coding change: c.1314C>T on transcript NM_024685.4 (MANE Select); coding-DNA position 1314, C replaced by T.
Protein change: p.Asp438=; no amino-acid change (aspartic acid 438 retained).
Molecular consequence: synonymous variant.
Genome position (GRCh38, 1-based): chr12:76,346,671, G>A on the plus strand (C>T on the coding strand, the complement: BBS10 is on the minus strand). VCF-style: chr12-76346671-G-A. GRCh37 (hg19) VCF-style: chr12-76740451-G-A.
Other names: c.1314C>T (NM_024685.3).
Identifiers: ClinVar variation 1146379 (VCV001146379.10), dbSNP rs2136090402, ClinGen allele CA481011113.

ClinVar aggregate classification (germline): Likely benign. Review status: criteria provided, single submitter (1 of 4 stars). 2 submissions from 2 submitters: Likely benign (1). 1 of the submissions does not count toward it. Last evaluated 2024-03-13.

Conditions:
BBS10-related disorder. Also called: BBS10-related condition.
Bardet-Biedl syndrome (BBS). Identifiers: Orphanet 110, MedGen C0752166, MONDO:0015229.

Submissions (2):

Labcorp Genetics (formerly Invitae), Labcorp
Classification: Likely benign for Bardet-Biedl syndrome. Last evaluated: 2024-03-13. Review status: criteria provided, single submitter. Criteria: Invitae Variant Classification Sherloc (09022015). Collection method: clinical testing. Allele origin: germline.

PreventionGenetics, part of Exact Sciences
Classification: Likely benign for BBS10-related condition. Last evaluated: 2024-09-07. Review status: no assertion criteria provided. Collection method: clinical testing. Allele origin: germline. Not counted in ClinVar's aggregate classification.
Comment: This variant is classified as likely benign based on ACMG/AMP sequence variant interpretation guidelines (Richards et al. 2015 PMID: 25741868, with internal and published modifications).